The following is an entry in ClinVar:

NM_001267550.2(TTN):c.48164G>A (p.Arg16055His)

Genes: TTN (titin; minus strand), TTN-AS1 (TTN antisense RNA 1; plus strand). Cytogenetic location: 2q31.2.
Variant type: single nucleotide variant.
Coding change: c.48164G>A on transcript NM_001267550.2 (MANE Select); coding-DNA position 48164, G replaced by A.
Protein change: p.Arg16055His; replaces arginine 16055 with histidine.
Molecular consequence: missense variant.
Genome position (GRCh38, 1-based): chr2:178,616,627, C>T on the plus strand (G>A on the coding strand, the complement: TTN is on the minus strand). VCF-style: chr2-178616627-C-T. GRCh37 (hg19) VCF-style: chr2-179481354-C-T.
Other names: p.R14414H:CGC>CAC; c.43241G>A, p.Arg14414His (NM_001256850.1); c.20969G>A, p.Arg6990His (NM_003319.4); c.40460G>A, p.Arg13487His (NM_133378.4); c.21344G>A, p.Arg7115His (NM_133432.3); c.21545G>A, p.Arg7182His (NM_133437.4); short protein forms R14414H, R16055H, R6990H, R13487H, R7115H, R7182H.
Identifiers: ClinVar variation 202663 (VCV000202663.20), dbSNP rs72677238, ClinGen allele CA309911.

ClinVar aggregate classification (germline): Conflicting classifications of pathogenicity. Review status: criteria provided, conflicting classifications (1 of 4 stars). 8 submissions from 8 submitters: Uncertain significance (5); Likely benign (3). Last evaluated 2026-06-01.

Conditions:
TTN-related disorder. Also called: TTN-related disorders; TTN-related condition; TTN-related disease.
Cardiovascular phenotype. Identifiers: MedGen CN230736.
Autosomal recessive limb-girdle muscular dystrophy type 2J (LGMDR10). Also called: Limb-girdle muscular dystrophy, type 2J; MUSCULAR DYSTROPHY, LIMB-GIRDLE, AUTOSOMAL RECESSIVE 10. Identifiers: Orphanet 140922, MedGen C1837342, MONDO:0012127, OMIM 608807.
Dilated cardiomyopathy 1G (CMD1G). Identifiers: Orphanet 154, MedGen C1858763, MONDO:0011400, OMIM 604145.

Allele frequency attached by ClinVar (database versions not stated): gnomAD 0.00003; TOPMed 0.00007; ExAC 0.00008; gnomAD exomes 0.00011 and 0.00012; ESP Exome Variant Server 0.00017.
gnomAD v4.1: 173 of 1,610,764 alleles (0.011%); highest among the groups gnomAD compares: Middle Eastern, 0.066%; no homozygotes.

Submissions (8):

CeGaT Center for Human Genetics Tuebingen
Classification: Likely benign. Last evaluated: 2026-06-01. Review status: criteria provided, single submitter. Criteria: CeGaT Center For Human Genetics Tuebingen Variant Classification Criteria Version 2. Collection method: clinical testing. Allele origin: germline. Affected: yes. Observed: 1 variant allele.
Comment: TTN: BP4

PreventionGenetics, part of Exact Sciences
Classification: Uncertain significance for TTN-related condition. Last evaluated: 2025-11-05. Review status: criteria provided, single submitter. Criteria: ACMG Guidelines, 2015. Collection method: clinical testing. Allele origin: germline.
Comment: The TTN c.48164G>A variant is predicted to result in the amino acid substitution p.Arg16055His. This variant has been reported in an individual with dilated cardiomyopathy (Table S3, Mazzarotto et al. 2020. PubMed ID: 31983221). This variant is reported in 0.024% of alleles in individuals of European (Non-Finnish) descent in gnomAD. Although we suspect that this variant may be benign, at this time, the clinical significance of this variant is uncertain due to the absence of conclusive functional and genetic evidence.

Blueprint Genetics
Classification: Likely benign. Last evaluated: 2024-10-30. Review status: criteria provided, single submitter. Criteria: ACMG Guidelines, 2015. Collection method: clinical testing. Allele origin: germline.

Revvity Omics, Revvity
Classification: Uncertain significance. Last evaluated: 2024-03-21. Review status: criteria provided, single submitter. Criteria: ACMG Guidelines, 2015. Collection method: clinical testing. Allele origin: germline.

GeneDx
Classification: Likely benign. Last evaluated: 2021-05-17. Review status: criteria provided, single submitter. Criteria: GeneDx Variant Classification Process June 2021. Collection method: clinical testing. Allele origin: germline. Affected: yes.
Comment: This variant is associated with the following publications: (PMID: 31983221)

ARUP Laboratories, Molecular Genetics and Genomics, ARUP Laboratories
Classification: Uncertain significance. Last evaluated: 2019-05-26. Review status: criteria provided, single submitter. Criteria: ARUP Molecular Germline Variant Investigation Process. Collection method: clinical testing. Allele origin: germline.
Comment: The TTN c.48164G>A; p.Arg16055His variant (rs72677238; ClinVar Variation ID: 202663) is rare in the general population (<1% allele frequency in the Genome Aggregation Database) and has not been reported in the medical literature in association with dilated cardiomyopathy (DCM) or other TTN-related disease. The clinical relevance of rare missense variants in this gene, which are identified on average once per individual sequenced in affected populations (Herman 2012), is not well understood. Yet, evidence suggests that the vast majority of such missense variants do not contribute to the clinical outcome of DCM (Begay 2015). Thus, the clinical significance of the p.Arg16055His variant cannot be determined with certainty. References: Begay RL et al. Role of Titin Missense Variants in Dilated Cardiomyopathy. J Am Heart Assoc. 2015 Nov 13;4(11). Herman DS et al. Truncations of titin causing dilated cardiomyopathy. N Engl J Med. 2012 Feb 16;366(7):619-28. Linke and Hamdani. Gigantic business: titin properties and function through thick and thin. Circ Res 2014; 114(6): 1052-1068.

Labcorp Genetics (formerly Invitae), Labcorp
Classification: Uncertain significance for Dilated cardiomyopathy 1G; Autosomal recessive limb-girdle muscular dystrophy type 2J. Last evaluated: 2016-06-10. Review status: criteria provided, single submitter. Criteria: Invitae Variant Classification Sherloc (09022015). Collection method: clinical testing. Allele origin: germline.

Ambry Genetics
Classification: Uncertain significance for Cardiovascular phenotype. Last evaluated: 2015-09-28. Review status: criteria provided, single submitter. Criteria: Ambry Variant Classification Scheme 2023. Collection method: clinical testing. Allele origin: germline.
Comment: The p.R6990H variant (also known as c.20969G>A), located in coding exon 84 of the TTN gene, results from a G to A substitution at nucleotide position 20969. The arginine at codon 6990 is replaced by histidine, an amino acid with highly similar properties. This variant was previously reported in the SNPDatabase as rs72677238. Based on data from the NHLBI Exome Sequencing Project (ESP), the A allele has an overall frequency of approximately 0.02% (2/11988) total alleles studied and 0.02% (2/8230) European American alleles. This amino acid position is not well conserved in available vertebrate species. In addition, this alteration is predicted to be tolerated by in silico analysis. Since supporting evidence is limited at this time, the clinical significance of this variant remains unclear.